The following is an entry in ClinVar:

ClinVar aggregate classification (germline): Benign/Likely benign. Review status: criteria provided, multiple submitters, no conflicts (2 of 4 stars). 5 submissions from 5 submitters: Benign (1); Likely benign (2). 2 of the submissions do not count toward it. Last evaluated 2026-03-01.

Conditions:
Spondyloepiphyseal dysplasia with congenital joint dislocations (SEDCJD). Also called: Chondrodysplasia with Congenital Joint Dislocations, CHST3-Related. Identifiers: Orphanet 263463, MedGen C1837657, MONDO:0007738, OMIM 143095.

Allele frequency attached by ClinVar (database versions not stated): TOPMed 0.00057; gnomAD exomes 0.00066 and 0.00091; gnomAD 0.00070 and 0.00072; ESP Exome Variant Server 0.00116; ExAC 0.00161.
gnomAD v4.1: 1,399 of 1,586,116 alleles (0.088%); highest among the groups gnomAD compares: Non-Finnish European, 0.11%; 2 homozygotes.

Submissions (5):

CeGaT Center for Human Genetics Tuebingen
Classification: Likely benign. Last evaluated: 2026-03-01. Review status: criteria provided, single submitter. Criteria: CeGaT Center For Human Genetics Tuebingen Variant Classification Criteria Version 2. Collection method: clinical testing. Allele origin: germline. Affected: yes. Observed: 1 variant allele.
Comment: CHST3: BP4, BP7

Labcorp Genetics (formerly Invitae), Labcorp
Classification: Benign for Spondyloepiphyseal dysplasia with congenital joint dislocations. Last evaluated: 2026-01-29. Review status: criteria provided, single submitter. Criteria: Invitae Variant Classification Sherloc (09022015). Collection method: clinical testing. Allele origin: germline.

Blueprint Genetics
Classification: Likely benign. Last evaluated: 2024-11-18. Review status: criteria provided, single submitter. Criteria: ACMG Guidelines, 2015. Collection method: clinical testing. Allele origin: germline.

Clinical Genetics DNA and cytogenetics Diagnostics Lab, Erasmus MC, Erasmus Medical Center
Classification: Likely benign. Review status: no assertion criteria provided. Collection method: clinical testing. Allele origin: germline. Affected: yes. Study: VKGL Data-share Consensus. Not counted in ClinVar's aggregate classification.

Genome Diagnostics Laboratory, Amsterdam University Medical Center
Classification: Likely benign. Review status: no assertion criteria provided. Collection method: clinical testing. Allele origin: germline. Affected: yes. Study: VKGL Data-share Consensus. Not counted in ClinVar's aggregate classification.

NM_004273.5(CHST3):c.1251G>C (p.Thr417=)

Gene: CHST3 (carbohydrate sulfotransferase 3; plus strand). Cytogenetic location: 10q22.1.
Variant type: single nucleotide variant.
Coding change: c.1251G>C on transcript NM_004273.5 (MANE Select); coding-DNA position 1251, G replaced by C.
Protein change: p.Thr417=; no amino-acid change (threonine 417 retained).
Molecular consequence: synonymous variant.
Genome position (GRCh38, 1-based): chr10:72,008,282, G>C. VCF-style: chr10-72008282-G-C. GRCh37 (hg19) VCF-style: chr10-73768040-G-C.
Identifiers: ClinVar variation 300567 (VCV000300567.22), dbSNP rs140411224, ClinGen allele CA5548222.
Genomic context (GRCh38, chr10:72,008,282, plus strand): 5'-GGAAGACTGGATCCAAAAGAACACGCAGGCGGCCCACGACGGCAGCGGCATCTACTCCAC[G>C]CAGAAGAACTCCTCGGAGCAGTTCGAGAAGTGGCGCTTCAGCATGCCCTTCAAGCTGGCC-3'
Protein context (NP_004264.2, residues 407-427): AAHDGSGIYS[Thr417=]QKNSSEQFEK